The following is an entry in ClinVar:

NM_020719.3(PRR12):c.5530A>G (p.Arg1844Gly)

Gene: PRR12 (proline rich 12; plus strand). Cytogenetic location: 19q13.33.
Variant type: single nucleotide variant.
Coding change: c.5530A>G on transcript NM_020719.3 (MANE Select); coding-DNA position 5530, A replaced by G.
Protein change: p.Arg1844Gly; replaces arginine 1844 with glycine.
Molecular consequence: missense variant.
Genome position (GRCh38, 1-based): chr19:49,620,384, A>G. VCF-style: chr19-49620384-A-G. GRCh37 (hg19) VCF-style: chr19-50123641-A-G.
Other names: short protein forms R1844G.
Identifiers: ClinVar variation 1305347 (VCV001305347.2), dbSNP rs773809173, ClinGen allele CA9578710.

ClinVar aggregate classification (germline): Uncertain significance (1 of 4 stars; one submission).

Allele frequency attached by ClinVar (database versions not stated): gnomAD exomes below 0.00001; ExAC 0.00001.
gnomAD v4.1: 2 of 1,612,654 alleles (0.00012%); highest among the groups gnomAD compares: East Asian, 0.0022%; no homozygotes.

Submission:

GeneDx
Classification: Uncertain significance. Last evaluated: 2019-05-01. Review status: criteria provided, single submitter. Criteria: GeneDx Variant Classification Process June 2021. Collection method: clinical testing. Allele origin: germline. Affected: yes.
Comment: In silico analysis, which includes protein predictors and evolutionary conservation, supports a deleterious effect; Has not been previously published as pathogenic or benign to our knowledge; Variants in candidate genes are classified as variants of uncertain significance in accordance with ACMG guidelines (Richards et al., 2015)